The following is an entry in ClinVar:

NM_014210.4(EVI2A):c.559G>A (p.Gly187Ser)

Genes: EVI2A (ecotropic viral integration site 2A; minus strand), NF1 (neurofibromin 1; plus strand), LOC130060655 (ATAC-STARR-seq lymphoblastoid active region 12009; plus strand). Cytogenetic location: 17q11.2.
Variant type: single nucleotide variant.
Coding change: c.559G>A on transcript NM_014210.4 (MANE Select); coding-DNA position 559, G replaced by A.
Protein change: p.Gly187Ser; replaces glycine 187 with serine.
Molecular consequence: missense variant. On other transcripts: intron variant (2).
Genome position (GRCh38, 1-based): chr17:31,318,455, C>T on the plus strand (G>A on the coding strand, the complement: EVI2A is on the minus strand). VCF-style: chr17-31318455-C-T. GRCh37 (hg19) VCF-style: chr17-29645473-C-T.
Other names: c.628G>A, p.Gly210Ser (NM_001003927.3); c.4836-7365C>T (NM_001042492.3); c.4773-7365C>T (NM_000267.4); short protein forms G187S, G210S.
Identifiers: ClinVar variation 2578786 (VCV002578786.25), dbSNP rs140933050, ClinGen allele CA8486934.
Genomic context (GRCh38, chr17:31,318,455, plus strand): 5'-GGTTGGGTCCTGTGAGCTGTTTTGTTCTTTTCCAAGTGTCTGATTCAGCGGGCCATAGAC[C>T]GCTTGCCAGAAAATCGCCATTGCTTCTAGGCTGACGCTTGCCTACTTGTTTTGATCGTCT-3'
Protein context (NP_055025.2, residues 177-197): PRSNGDFLAS[Gly187Ser]LWPAESDTWK

ClinVar aggregate classification (germline): Likely benign (1 of 4 stars; one submission).

Allele frequency attached by ClinVar (database versions not stated): 1000 Genomes Project 0.00100; 1000 Genomes Project 30x 0.00109; TOPMed 0.00269; ESP Exome Variant Server 0.00361.
gnomAD v4.1: 6,831 of 1,613,970 alleles (0.42%); highest among the groups gnomAD compares: Non-Finnish European, 0.51%; 16 homozygotes.

Submission:

CeGaT Center for Human Genetics Tuebingen
Classification: Likely benign. Last evaluated: 2026-08-01. Review status: criteria provided, single submitter. Criteria: CeGaT Center For Human Genetics Tuebingen Variant Classification Criteria Version 2. Collection method: clinical testing. Allele origin: germline. Affected: yes. Observed: 24 variant alleles.
Comment: EVI2A: BS2